The following is an entry in ClinVar:

ClinVar aggregate classification (germline): Uncertain significance (1 of 4 stars; one submission).

Conditions:
Saldino-Mainzer syndrome (SRTD9). Also called: CONORENAL SYNDROME; Renal dysplasia, retinal pigmentary dystrophy, cerebellar ataxia and skeletal dysplasia; SHORT-RIB THORACIC DYSPLASIA 9 WITHOUT POLYDACTYLY; short-rib thoracic dysplasia 9 with or without polydactyly. Identifiers: Orphanet 140969, MedGen C1849437, MONDO:0009964, OMIM 266920.

gnomAD v4.1: 4 of 1,579,900 alleles (0.00025%); highest among the groups gnomAD compares: Non-Finnish European, 0.00034%; no homozygotes.

Submission:

Labcorp Genetics (formerly Invitae), Labcorp
Classification: Uncertain significance for Saldino-Mainzer syndrome. Last evaluated: 2022-03-19. Review status: criteria provided, single submitter. Criteria: Invitae Variant Classification Sherloc (09022015). Collection method: clinical testing. Allele origin: germline.
Comment: In summary, the available evidence is currently insufficient to determine the role of this variant in disease. Therefore, it has been classified as a Variant of Uncertain Significance. Algorithms developed to predict the effect of missense changes on protein structure and function output the following: SIFT: "Tolerated"; PolyPhen-2: "Benign"; Align-GVGD: "Class C0". The arginine amino acid residue is found in multiple mammalian species, which suggests that this missense change does not adversely affect protein function. This variant has not been reported in the literature in individuals affected with IFT140-related conditions. The frequency data for this variant in the population databases is considered unreliable, as metrics indicate poor data quality at this position in the gnomAD database. This sequence change replaces serine, which is neutral and polar, with arginine, which is basic and polar, at codon 902 of the IFT140 protein (p.Ser902Arg).

NM_014714.4(IFT140):c.2704A>C (p.Ser902Arg)

Gene: IFT140 (intraflagellar transport 140; minus strand). Cytogenetic location: 16p13.3.
Variant type: single nucleotide variant.
Coding change: c.2704A>C on transcript NM_014714.4 (MANE Select); coding-DNA position 2704, A replaced by C.
Protein change: p.Ser902Arg; replaces serine 902 with arginine.
Molecular consequence: missense variant.
Genome position (GRCh38, 1-based): chr16:1,525,951, T>G on the plus strand (A>C on the coding strand, the complement: IFT140 is on the minus strand). VCF-style: chr16-1525951-T-G. GRCh37 (hg19) VCF-style: chr16-1575952-T-G.
Other names: short protein forms S902R.
Identifiers: ClinVar variation 2114138 (VCV002114138.4), dbSNP rs1433656005, ClinGen allele CA394227327.